The following is an entry in ClinVar:

NM_001303256.3(MORC2):c.536G>A (p.Arg179His)

Gene: MORC2 (MORC family CW-type zinc finger 2; minus strand). Cytogenetic location: 22q12.2.
Variant type: single nucleotide variant.
Coding change: c.536G>A on transcript NM_001303256.3 (MANE Select); coding-DNA position 536, G replaced by A.
Protein change: p.Arg179His; replaces arginine 179 with histidine.
Molecular consequence: missense variant.
Genome position (GRCh38, 1-based): chr22:30,942,162, C>T on the plus strand (G>A on the coding strand, the complement: MORC2 is on the minus strand). VCF-style: chr22-30942162-C-T. GRCh37 (hg19) VCF-style: chr22-31338149-C-T.
Other names: c.536G>A, p.Arg179His (NM_001303257.2); c.350G>A, p.Arg117His (NM_014941.3); short protein forms R117H, R179H.
Identifiers: ClinVar variation 542285 (VCV000542285.12), dbSNP rs541114863, ClinGen allele CA10187230.

ClinVar aggregate classification (germline): Conflicting classifications of pathogenicity. Review status: criteria provided, conflicting classifications (1 of 4 stars). 2 submissions from 2 submitters: Uncertain significance (1); Likely benign (1). Last evaluated 2024-10-07.

Conditions:
Charcot-Marie-Tooth disease axonal type 2Z. Also called: CHARCOT-MARIE-TOOTH DISEASE, AXONAL, AUTOSOMAL DOMINANT, TYPE 2Z; CHARCOT-MARIE-TOOTH NEUROPATHY, TYPE 2Z. Identifiers: Orphanet 466768, MedGen C5569025, MONDO:0014736, OMIM 616688.

Allele frequency attached by ClinVar (database versions not stated): ExAC 0.00001; TOPMed 0.00001; gnomAD exomes 0.00002; gnomAD 0.00003; 1000 Genomes Project 30x 0.00016; 1000 Genomes Project 0.00020.
gnomAD v4.1: 80 of 1,614,126 alleles (0.005%); highest among the groups gnomAD compares: Non-Finnish European, 0.0061%; no homozygotes.

Submissions (2):

Blueprint Genetics
Classification: Likely benign. Last evaluated: 2024-10-07. Review status: criteria provided, single submitter. Criteria: ACMG Guidelines, 2015. Collection method: clinical testing. Allele origin: germline.

Labcorp Genetics (formerly Invitae), Labcorp
Classification: Uncertain significance for Charcot-Marie-Tooth disease axonal type 2Z. Last evaluated: 2023-05-01. Review status: criteria provided, single submitter. Criteria: Invitae Variant Classification Sherloc (09022015). Collection method: clinical testing. Allele origin: germline.
Comment: Advanced modeling of protein sequence and biophysical properties (such as structural, functional, and spatial information, amino acid conservation, physicochemical variation, residue mobility, and thermodynamic stability) performed at Invitae indicates that this missense variant is not expected to disrupt MORC2 protein function. In summary, the available evidence is currently insufficient to determine the role of this variant in disease. Therefore, it has been classified as a Variant of Uncertain Significance. ClinVar contains an entry for this variant (Variation ID: 542285). This variant has not been reported in the literature in individuals affected with MORC2-related conditions. This variant is present in population databases (rs541114863, gnomAD 0.004%). This sequence change replaces arginine, which is basic and polar, with histidine, which is basic and polar, at codon 179 of the MORC2 protein (p.Arg179His).